The following is an entry in ClinVar:

NM_001182.5(ALDH7A1):c.222C>T (p.Asn74=)

Gene: ALDH7A1 (aldehyde dehydrogenase 7 family member A1; minus strand). Cytogenetic location: 5q23.2.
Variant type: single nucleotide variant.
Coding change: c.222C>T on transcript NM_001182.5 (MANE Select); coding-DNA position 222, C replaced by T.
Protein change: p.Asn74=; no amino-acid change (asparagine 74 retained).
Molecular consequence: synonymous variant.
Genome position (GRCh38, 1-based): chr5:126,593,375, G>A on the plus strand (C>T on the coding strand, the complement: ALDH7A1 is on the minus strand). VCF-style: chr5-126593375-G-A. GRCh37 (hg19) VCF-style: chr5-125929067-G-A.
Other names: c.138C>T, p.Asn46= (NM_001201377.2); c.222C>T, p.Asn74= (NM_001202404.2).
Identifiers: ClinVar variation 517730 (VCV000517730.14), dbSNP rs1007871645, ClinGen allele CA126925158.

ClinVar aggregate classification (germline): Conflicting classifications of pathogenicity. Review status: criteria provided, conflicting classifications (1 of 4 stars). 3 submissions from 3 submitters: Uncertain significance (1); Likely benign (2). Last evaluated 2025-06-09.

Conditions:
Pyridoxine-dependent epilepsy (EPEO4). Also called: Pyridoxine-Dependent Seizures; PYRIDOXINE DEPENDENCY WITH SEIZURES; EPILEPSY, EARLY-ONSET, 4, VITAMIN B6-DEPENDENT; Pyridoxine-Dependent Epilepsy - ALDH7A1. Identifiers: Orphanet 3006, MedGen C1849508, MONDO:0009945, OMIM 266100. Disease mechanism: loss of function.

Allele frequency attached by ClinVar (database versions not stated): gnomAD 0.00001 and 0.00002; TOPMed 0.00001.
gnomAD v4.1: 46 of 1,611,992 alleles (0.0029%); highest among the groups gnomAD compares: East Asian, 0.067%; no homozygotes.

Submissions (3):

Labcorp Genetics (formerly Invitae), Labcorp
Classification: Likely benign for Pyridoxine-dependent epilepsy. Last evaluated: 2025-06-09. Review status: criteria provided, single submitter. Criteria: Invitae Variant Classification Sherloc (09022015). Collection method: clinical testing. Allele origin: germline.

Illumina Laboratory Services, Illumina
Classification: Uncertain significance for Pyridoxine-dependent epilepsy. Last evaluated: 2018-01-13. Review status: criteria provided, single submitter. Criteria: ICSL Variant Classification Criteria 13 December 2019. Collection method: clinical testing. Allele origin: germline.

GeneDx
Classification: Likely benign. Last evaluated: 2017-11-02. Review status: criteria provided, single submitter. Criteria: GeneDx Variant Classification (06012015). Collection method: clinical testing. Allele origin: germline. Affected: yes.
Comment: This variant is considered likely benign or benign based on one or more of the following criteria: it is a conservative change, it occurs at a poorly conserved position in the protein, it is predicted to be benign by multiple in silico algorithms, and/or has population frequency not consistent with disease.